The following is an entry in ClinVar:

ClinVar aggregate classification (germline): Uncertain significance. Review status: criteria provided, multiple submitters, no conflicts (2 of 4 stars). 2 submissions from 2 submitters: Uncertain significance (2). Last evaluated 2024-07-12.

Conditions:
Malignant hyperthermia, susceptibility to, 5 (MHS5). Also called: CACNA1S-Related Malignant Hyperthermia Susceptibility. Identifiers: Orphanet 423, MedGen C1866077, MONDO:0011163, OMIM 601887.
Hypokalemic periodic paralysis, type 1. Also called: HypoPP; Hypokalemic Periodic Paralysis Type 1 (AD). Identifiers: Orphanet 681, MedGen C3714580, MONDO:0042979, OMIM 170400.

Allele frequency attached by ClinVar (database versions not stated): gnomAD exomes below 0.00001; TOPMed below 0.00001.
gnomAD v4.1: 1 of 1,613,858 alleles (0.000062%); highest among the groups gnomAD compares: Non-Finnish European, 0.000085%; no homozygotes.

Submissions (2):

Labcorp Genetics (formerly Invitae), Labcorp
Classification: Uncertain significance for Hypokalemic periodic paralysis, type 1; Malignant hyperthermia, susceptibility to, 5. Last evaluated: 2024-07-12. Review status: criteria provided, single submitter. Criteria: Invitae Variant Classification Sherloc (09022015). Collection method: clinical testing. Allele origin: germline.
Comment: This sequence change replaces asparagine, which is neutral and polar, with aspartic acid, which is acidic and polar, at codon 728 of the CACNA1S protein (p.Asn728Asp). This variant is not present in population databases (gnomAD no frequency). This variant has not been reported in the literature in individuals affected with CACNA1S-related conditions. ClinVar contains an entry for this variant (Variation ID: 1016000). Advanced modeling of protein sequence and biophysical properties (such as structural, functional, and spatial information, amino acid conservation, physicochemical variation, residue mobility, and thermodynamic stability) performed at Invitae indicates that this missense variant is not expected to disrupt CACNA1S protein function with a negative predictive value of 80%. In summary, the available evidence is currently insufficient to determine the role of this variant in disease. Therefore, it has been classified as a Variant of Uncertain Significance.

All of Us Research Program, National Institutes of Health
Classification: Uncertain significance for Malignant hyperthermia, susceptibility to, 5. Last evaluated: 2023-10-06. Review status: criteria provided, single submitter. Criteria: ACMG Guidelines, 2015. Collection method: clinical testing. Allele origin: germline. Inheritance: Autosomal dominant inheritance. Observed: 1 variant allele, 1 heterozygote.
Comment: This missense variant replaces asparagine with aspartic acid at codon 728 of the CACNA1S protein. Computational prediction suggests that this variant may not impact protein structure and function (internally defined REVEL score threshold <= 0.5, PMID: 27666373). To our knowledge, functional studies have not been reported for this variant. This variant has not been reported in individuals affected with CACNA1S-related disorders in the literature. This variant has not been identified in the general population by the Genome Aggregation Database (gnomAD). The available evidence is insufficient to determine the role of this variant in disease conclusively. Therefore, this variant is classified as a Variant of Uncertain Significance.

This study involves interpretation of variants in research participants for the purpose of population health screening. Participant phenotype was not available at the time of variant classification. Additional details can be found in publication PMID: 35346344, PMCID: PMC8962531

NM_000069.3(CACNA1S):c.2182A>G (p.Asn728Asp)

Gene: CACNA1S (calcium voltage-gated channel subunit alpha1 S; minus strand). Cytogenetic location: 1q32.1.
Variant type: single nucleotide variant.
Coding change: c.2182A>G on transcript NM_000069.3 (MANE Select); coding-DNA position 2182, A replaced by G.
Protein change: p.Asn728Asp; replaces asparagine 728 with aspartic acid.
Molecular consequence: missense variant.
Genome position (GRCh38, 1-based): chr1:201,072,800, T>C on the plus strand (A>G on the coding strand, the complement: CACNA1S is on the minus strand). VCF-style: chr1-201072800-T-C. GRCh37 (hg19) VCF-style: chr1-201041928-T-C.
Other names: short protein forms N728D.
Identifiers: ClinVar variation 1016000 (VCV001016000.8), dbSNP rs1391820892, ClinGen allele CA344112468.